The following is an entry in ClinVar:

ClinVar aggregate classification (germline): Uncertain significance (1 of 4 stars; one submission).

Conditions:
PLXNA1-related disorder. Also called: PLXNA1-related condition.

Submission:

PreventionGenetics, part of Exact Sciences
Classification: Uncertain significance for PLXNA1-related condition. Last evaluated: 2026-07-27. Review status: criteria provided, single submitter. Criteria: ACMG Guidelines, 2015. Collection method: clinical testing. Allele origin: germline.
Comment: The PLXNA1 c.3661-3C>T variant is predicted to interfere with splicing. To our knowledge, this variant has not been reported in the literature or in a large population database (gnomAD), indicating this variant is rare. At this time, the clinical significance of this variant is uncertain due to the absence of conclusive functional and genetic evidence.

NM_032242.4(PLXNA1):c.3661-3C>T

Gene: PLXNA1 (plexin A1; plus strand). Cytogenetic location: 3q21.3.
Variant type: single nucleotide variant.
Coding change: c.3661-3C>T on transcript NM_032242.4 (MANE Select); 3 bases into the intron before coding-DNA position 3661, C replaced by T.
Molecular consequence: intron variant.
Genome position (GRCh38, 1-based): chr3:127,018,291, C>T. VCF-style: chr3-127018291-C-T. GRCh37 (hg19) VCF-style: chr3-126737134-C-T.
Identifiers: ClinVar variation 4992100 (VCV004992100.1).